The following is an entry in ClinVar:

NM_031433.4(MFRP):c.992T>C (p.Ile331Thr)

Genes: C1QTNF5 (C1q and TNF related 5; minus strand), MFRP (membrane frizzled-related protein; minus strand). Cytogenetic location: 11q23.3.
Variant type: single nucleotide variant.
Coding change: c.992T>C on transcript NM_031433.4 (MANE Select); coding-DNA position 992, T replaced by C.
Protein change: p.Ile331Thr; replaces isoleucine 331 with threonine.
Molecular consequence: missense variant. On other transcripts: 5 prime UTR variant (1).
Genome position (GRCh38, 1-based): chr11:119,343,948, A>G on the plus strand (T>C on the coding strand, the complement: MFRP is on the minus strand). VCF-style: chr11-119343948-A-G. GRCh37 (hg19) VCF-style: chr11-119214658-A-G.
Other names: c.-1645T>C (NM_015645.5); short protein forms I331T.
Identifiers: ClinVar variation 1027119 (VCV001027119.6), dbSNP rs756893264, ClinGen allele CA6320288.

ClinVar aggregate classification (germline): Conflicting classifications of pathogenicity. Review status: criteria provided, conflicting classifications (1 of 4 stars). 2 submissions from 2 submitters: Pathogenic (1); Uncertain significance (1). Last evaluated 2024-07-16.

Conditions:
MFRP-related disorder. Also called: MFRP-related condition; MFRP-related disorders.
Isolated microphthalmia 5. Also called: Posterior Microphthalmia with Retinitis Pigmentosa, Foveoschisis, and Optic Disc Drusen. Identifiers: Orphanet 251279, MedGen C1970236, MONDO:0012605, OMIM 611040.

Allele frequency attached by ClinVar (database versions not stated): gnomAD exomes below 0.00001 and 0.00001; gnomAD 0.00001; TOPMed 0.00001; ExAC 0.00001.
gnomAD v4.1: 3 of 1,612,830 alleles (0.00019%); highest among the groups gnomAD compares: Non-Finnish European, 0.00025%; no homozygotes.

Submissions (2):

Blueprint Genetics
Classification: Pathogenic for MFRP-related disorders. Last evaluated: 2024-07-16. Review status: criteria provided, single submitter. Criteria: ACMG Guidelines, 2015. Collection method: clinical testing. Allele origin: germline. Affected: yes. Observed: 5 variant alleles.

Labcorp Genetics (formerly Invitae), Labcorp
Classification: Uncertain significance for Isolated microphthalmia 5. Last evaluated: 2021-09-24. Review status: criteria provided, single submitter. Criteria: Invitae Variant Classification Sherloc (09022015). Collection method: clinical testing. Allele origin: germline.
Comment: This sequence change replaces isoleucine with threonine at codon 331 of the MFRP protein (p.Ile331Thr). The isoleucine residue is moderately conserved and there is a moderate physicochemical difference between isoleucine and threonine. This variant is present in population databases (rs756893264, ExAC 0.002%). This variant has not been reported in the literature in individuals affected with MFRP-related conditions. Algorithms developed to predict the effect of missense changes on protein structure and function are either unavailable or do not agree on the potential impact of this missense change (SIFT: "Deleterious"; PolyPhen-2: "Possibly Damaging"; Align-GVGD: "Class C0"). In summary, the available evidence is currently insufficient to determine the role of this variant in disease. Therefore, it has been classified as a Variant of Uncertain Significance.